The following is an entry in ClinVar:

ClinVar aggregate classification (germline): Likely benign (0 of 4 stars; one submission).

Conditions:
CDH11-related disorder. Also called: CDH11-related condition.

Allele frequency attached by ClinVar (database versions not stated): 1000 Genomes Project 30x 0.00062; 1000 Genomes Project 0.00080; ESP Exome Variant Server 0.00085; ExAC 0.00104; gnomAD 0.00118; gnomAD exomes 0.00149; TOPMed 0.00151.
gnomAD v4.1: 2,364 of 1,600,396 alleles (0.15%); highest among the groups gnomAD compares: Non-Finnish European, 0.18%; 2 homozygotes.

Submission:

PreventionGenetics, part of Exact Sciences
Classification: Likely benign for CDH11-related condition. Last evaluated: 2023-12-31. Review status: no assertion criteria provided. Collection method: clinical testing. Allele origin: germline.
Comment: This variant is classified as likely benign based on ACMG/AMP sequence variant interpretation guidelines (Richards et al. 2015 PMID: 25741868, with internal and published modifications).

NM_001797.4(CDH11):c.*7C>T

Gene: CDH11 (cadherin 11; minus strand). Cytogenetic location: 16q21.
Variant type: single nucleotide variant.
Coding change: c.*7C>T on transcript NM_001797.4 (MANE Select); 7 bases downstream of the stop codon, C replaced by T.
Molecular consequence: 3 prime UTR variant.
Genome position (GRCh38, 1-based): chr16:64,947,596, G>A on the plus strand (C>T on the coding strand, the complement: CDH11 is on the minus strand). VCF-style: chr16-64947596-G-A. GRCh37 (hg19) VCF-style: chr16-64981499-G-A.
Other names: c.*495C>T (NM_001308392.2); c.*7C>T (NM_001330576.2).
Identifiers: ClinVar variation 3060946 (VCV003060946.2), dbSNP rs146428080, ClinGen allele CA8091804.